The following is an entry in ClinVar:

NM_023036.6(DNAI2):c.1644C>A (p.Ala548=)

Gene: DNAI2 (dynein axonemal intermediate chain 2; plus strand). Cytogenetic location: 17q25.1.
Variant type: single nucleotide variant.
Coding change: c.1644C>A on transcript NM_023036.6 (MANE Select); coding-DNA position 1644, C replaced by A.
Protein change: p.Ala548=; no amino-acid change (alanine 548 retained).
Molecular consequence: synonymous variant.
Genome position (GRCh38, 1-based): chr17:74,312,152, C>A. VCF-style: chr17-74312152-C-A. GRCh37 (hg19) VCF-style: chr17-72308291-C-A.
Other names: p.Ala548=; c.1608C>A, p.Ala536= (NM_001172810.3); c.1644C>A, p.Ala548= (NM_001353167.2).
Identifiers: ClinVar variation 163170 (VCV000163170.27), dbSNP rs9908476, ClinGen allele CA175829.

ClinVar aggregate classification (germline): Benign. Review status: criteria provided, multiple submitters, no conflicts (2 of 4 stars). 10 submissions from 10 submitters: Benign (8). 2 of the submissions do not count toward it. Last evaluated 2026-02-04.

Conditions:
Primary ciliary dyskinesia. Also called: Ciliary dyskinesia. Identifiers: Orphanet 244, MedGen C0008780, MONDO:0016575, HP:0012265.
Primary ciliary dyskinesia 9. Also called: CILIARY DYSKINESIA, PRIMARY, 9, WITH OR WITHOUT SITUS INVERSUS. Identifiers: Orphanet 244, MedGen C2676235, MONDO:0012906, OMIM 612444.

Allele frequency attached by ClinVar (database versions not stated): ESP Exome Variant Server 0.03875; TOPMed 0.03908; 1000 Genomes Project 0.03514; 1000 Genomes Project 30x 0.03576.
gnomAD v4.1: 51,747 of 1,612,522 alleles (3.2%); highest among the groups gnomAD compares: African/African-American, 5.7%; 954 homozygotes.

Submissions (10):

Labcorp Genetics (formerly Invitae), Labcorp
Classification: Benign for Primary ciliary dyskinesia. Last evaluated: 2026-02-04. Review status: criteria provided, single submitter. Criteria: Invitae Variant Classification Sherloc (09022015). Collection method: clinical testing. Allele origin: germline.

Mayo Clinic Laboratories, Mayo Clinic
Classification: Benign. Last evaluated: 2022-04-26. Review status: criteria provided, single submitter. Criteria: ACMG Guidelines, 2015. Collection method: clinical testing. Allele origin: germline. Observed: 11 variant alleles.

GeneDx
Classification: Benign. Last evaluated: 2019-02-21. Review status: criteria provided, single submitter. Criteria: GeneDx Variant Classification Process June 2021. Collection method: clinical testing. Allele origin: germline. Affected: yes.

Illumina Laboratory Services, Illumina
Classification: Benign for Primary ciliary dyskinesia 9. Last evaluated: 2018-01-13. Review status: criteria provided, single submitter. Criteria: ICSL Variant Classification Criteria 13 December 2019. Collection method: clinical testing. Allele origin: germline.
Comment: This variant was observed in the ICSL laboratory as part of a predisposition screen in an ostensibly healthy population. It had not been previously curated by ICSL or reported in the Human Gene Mutation Database (HGMD: prior to June 1st, 2018), and was therefore a candidate for classification through an automated scoring system. Utilizing variant allele frequency, disease prevalence and penetrance estimates, and inheritance mode, an automated score was calculated to assess if this variant is too frequent to cause the disease. Based on the score and internal cut-off values, a variant classified as benign is not then subjected to further curation. The score for this variant resulted in a classification of benign for this disease.

Ambry Genetics
Classification: Benign for Primary ciliary dyskinesia. Last evaluated: 2014-12-24. Review status: criteria provided, single submitter. Criteria: Ambry Variant Classification Scheme 2023. Collection method: clinical testing. Allele origin: germline.

Laboratory for Molecular Medicine, Mass General Brigham Personalized Medicine
Classification: Benign. Last evaluated: 2013-02-21. Review status: criteria provided, single submitter. Criteria: LMM Criteria. Collection method: clinical testing. Allele origin: germline. Observed: 6 variant alleles.
Comment: Ala548Ala in exon 12 of DNAI2: This variant is not expected to have clinical sig nificance because it does not alter an amino acid residue and is not located wit hin the splice consensus sequence. It has been identified in 5.7% (252/4406) of African American chromosomes from a broad population by the NHLBI Exome Sequenci ng Project (dbSNP rs9908476).

Breakthrough Genomics
Classification: Benign. Review status: criteria provided, single submitter. Criteria: ACMG Guidelines, 2015. Collection method: not provided. Allele origin: germline. Inheritance: Autosomal recessive inheritance. Affected: yes.

PreventionGenetics, part of Exact Sciences
Classification: Benign. Review status: criteria provided, single submitter. Criteria: ACMG Guidelines, 2015. Collection method: clinical testing. Allele origin: germline.

Natera, Inc.
Classification: Benign for Primary ciliary dyskinesia. Last evaluated: 2020-09-16. Review status: no assertion criteria provided. Collection method: clinical testing. Allele origin: germline. Not counted in ClinVar's aggregate classification.

Counsyl
Classification: Benign for Primary ciliary dyskinesia 9. Last evaluated: 2017-03-06. Review status: no assertion criteria provided. Collection method: clinical testing. Allele origin: unknown. Not counted in ClinVar's aggregate classification.